The following is an entry in ClinVar:

NM_001199138.2(NLRC4):c.136G>C (p.Val46Leu)

Gene: NLRC4 (NLR family CARD domain containing 4; minus strand). Cytogenetic location: 2p22.3.
Variant type: single nucleotide variant.
Coding change: c.136G>C on transcript NM_001199138.2 (MANE Select); coding-DNA position 136, G replaced by C.
Protein change: p.Val46Leu; replaces valine 46 with leucine.
Molecular consequence: missense variant.
Genome position (GRCh38, 1-based): chr2:32,252,545, C>G on the plus strand (G>C on the coding strand, the complement: NLRC4 is on the minus strand). VCF-style: chr2-32252545-C-G. GRCh37 (hg19) VCF-style: chr2-32477614-C-G.
Other names: c.136G>C, p.Val46Leu (NM_001199139.2, NM_001302504.2, NM_021209.5); short protein forms V46L.
Identifiers: ClinVar variation 1463651 (VCV001463651.6), dbSNP rs530065673, ClinGen allele CA1602211.
Genomic context (GRCh38, chr2:32,252,545, plus strand): 5'-AGGACTCTGAACCCTTTTTCAAAATCATGTGAATGATCCCTCTAGCAGCATCCTGCTCCA[C>G]CTTCTCGCAGCAAATGATGTTTACTTCTTCGCGATTCAGAACATTCCATACAAATAGGTC-3'
Protein context (NP_001186067.1, residues 36-56): EEVNIICCEK[Val46Leu]EQDAARGIIH

ClinVar aggregate classification (germline): Uncertain significance (1 of 4 stars; one submission).

Conditions:
Familial cold autoinflammatory syndrome 4 (FCAS4). Identifiers: Orphanet 47045, Orphanet 576349, MedGen C4015276, MONDO:0014498, OMIM 616115.
Periodic fever-infantile enterocolitis-autoinflammatory syndrome. Also called: Autoinflammation with infantile enterocolitis. Identifiers: Orphanet 436166, MedGen C4015067, MONDO:0014472, OMIM 616050.

Allele frequency attached by ClinVar (database versions not stated): gnomAD exomes 0.00001 and below 0.00001; TOPMed 0.00001; gnomAD 0.00003 and 0.00007; ExAC 0.00001.

Submission:

Labcorp Genetics (formerly Invitae), Labcorp
Classification: Uncertain significance for Periodic fever-infantile enterocolitis-autoinflammatory syndrome; Familial cold autoinflammatory syndrome 4. Last evaluated: 2025-11-11. Review status: criteria provided, single submitter. Criteria: Invitae Variant Classification Sherloc (09022015). Collection method: clinical testing. Allele origin: germline.
Comment: This sequence change replaces valine, which is neutral and non-polar, with leucine, which is neutral and non-polar, at codon 46 of the NLRC4 protein (p.Val46Leu). This variant is present in population databases (rs530065673, gnomAD 0.02%). This variant has not been reported in the literature in individuals affected with NLRC4-related conditions. ClinVar contains an entry for this variant (Variation ID: 1463651). An algorithm developed to predict the effect of missense changes on protein structure and function (PolyPhen-2) suggests that this variant is likely to be tolerated. In summary, the available evidence is currently insufficient to determine the role of this variant in disease. Therefore, it has been classified as a Variant of Uncertain Significance.